The following is an entry in ClinVar:

NM_000441.2(SLC26A4):c.1655G>T (p.Ser552Ile)

Gene: SLC26A4 (solute carrier family 26 member 4; plus strand). Cytogenetic location: 7q22.3.
Variant type: single nucleotide variant.
Coding change: c.1655G>T on transcript NM_000441.2 (MANE Select); coding-DNA position 1655, G replaced by T.
Protein change: p.Ser552Ile; replaces serine 552 with isoleucine.
Molecular consequence: missense variant.
Genome position (GRCh38, 1-based): chr7:107,700,123, G>T. VCF-style: chr7-107700123-G-T. GRCh37 (hg19) VCF-style: chr7-107340568-G-T.
Other names: short protein forms S552I.
Identifiers: ClinVar variation 3764154 (VCV003764154.1).

ClinVar aggregate classification (germline): Likely pathogenic (1 of 4 stars; one submission).

Submission:

GeneDx
Classification: Likely pathogenic. Last evaluated: 2024-08-24. Review status: criteria provided, single submitter. Criteria: GeneDx Variant Classification Process June 2021. Collection method: clinical testing. Allele origin: germline. Affected: yes.
Comment: In silico analysis supports that this missense variant has a deleterious effect on protein structure/function; Not observed at significant frequency in large population cohorts (gnomAD); This variant is associated with the following publications: (PMID: 28941661, 26635355, 33199029, 15355436)